The following is an entry in ClinVar:

NM_004304.5(ALK):c.2690A>G (p.Gln897Arg)

Gene: ALK (ALK receptor tyrosine kinase; minus strand). Cytogenetic location: 2p23.2.
Variant type: single nucleotide variant.
Coding change: c.2690A>G on transcript NM_004304.5 (MANE Select); coding-DNA position 2690, A replaced by G.
Protein change: p.Gln897Arg; replaces glutamine 897 with arginine.
Molecular consequence: missense variant.
Genome position (GRCh38, 1-based): chr2:29,229,009, T>C on the plus strand (A>G on the coding strand, the complement: ALK is on the minus strand). VCF-style: chr2-29229009-T-C. GRCh37 (hg19) VCF-style: chr2-29451875-T-C.
Other names: short protein forms Q897R.
Identifiers: ClinVar variation 4870595 (VCV004870595.1).

ClinVar aggregate classification (germline): Uncertain significance (1 of 4 stars; one submission).

Conditions:
Hereditary cancer-predisposing syndrome. Also called: Neoplastic Syndromes, Hereditary; Tumor predisposition; Hereditary Cancer Syndrome; Hereditary neoplastic syndrome. Identifiers: Orphanet 140162, MedGen C0027672, MeSH D009386, MONDO:0015356.

Submission:

Ambry Genetics
Classification: Uncertain significance for Hereditary cancer-predisposing syndrome. Last evaluated: 2026-06-13. Review status: criteria provided, single submitter. Criteria: Ambry Variant Classification Scheme 2023. Collection method: clinical testing. Allele origin: germline.
Comment: The p.Q897R variant (also known as c.2690A>G), located in coding exon 16 of the ALK gene, results from an A to G substitution at nucleotide position 2690. The glutamine at codon 897 is replaced by arginine, an amino acid with highly similar properties. This amino acid position is conserved. In addition, this alteration is predicted to be tolerated by in silico analysis. Based on the available evidence, the clinical significance of this variant remains unclear.